The following is an entry in ClinVar:

NM_014975.3(MAST1):c.4588G>C (p.Ala1530Pro)

Gene: MAST1 (microtubule associated serine/threonine kinase 1; plus strand). Cytogenetic location: 19p13.13.
Variant type: single nucleotide variant.
Coding change: c.4588G>C on transcript NM_014975.3 (MANE Select); coding-DNA position 4588, G replaced by C.
Protein change: p.Ala1530Pro; replaces alanine 1530 with proline.
Molecular consequence: missense variant.
Genome position (GRCh38, 1-based): chr19:12,874,745, G>C. VCF-style: chr19-12874745-G-C. GRCh37 (hg19) VCF-style: chr19-12985559-G-C.
Other names: short protein forms A1530P.
Identifiers: ClinVar variation 2155341 (VCV002155341.4), dbSNP rs540602660, ClinGen allele CA305495896.
Genomic context (GRCh38, chr19:12,874,745, plus strand): 5'-CCCTCCCTAGCCCCAGCGAAGTGCAGTGCACCCAGCAGTGCAGTGACCCCAGTCCCACCC[G>C]CATCCCTCTTGGGCTCAGGCACCAAGCCTCAAGTGGGGCTGACCTCCCGGTGCCCTGCTG-3'
Protein context (NP_055790.1, residues 1520-1540): PSSAVTPVPP[Ala1530Pro]SLLGSGTKPQ

ClinVar aggregate classification (germline): Uncertain significance (1 of 4 stars; one submission).

Allele frequency attached by ClinVar (database versions not stated): TOPMed below 0.00001; gnomAD 0.00001.

Submission:

Labcorp Genetics (formerly Invitae), Labcorp
Classification: Uncertain significance. Last evaluated: 2024-01-08. Review status: criteria provided, single submitter. Criteria: Invitae Variant Classification Sherloc (09022015). Collection method: clinical testing. Allele origin: germline.
Comment: This sequence change replaces alanine, which is neutral and non-polar, with proline, which is neutral and non-polar, at codon 1530 of the MAST1 protein (p.Ala1530Pro). This variant is not present in population databases (gnomAD no frequency). This variant has not been reported in the literature in individuals affected with MAST1-related conditions. ClinVar contains an entry for this variant (Variation ID: 2155341). An algorithm developed to predict the effect of missense changes on protein structure and function (PolyPhen-2) suggests that this variant is likely to be tolerated. In summary, the available evidence is currently insufficient to determine the role of this variant in disease. Therefore, it has been classified as a Variant of Uncertain Significance.